The following is an entry in ClinVar:

ClinVar aggregate classification (germline): Uncertain significance (1 of 4 stars; one submission).

Conditions:
Inborn genetic diseases. Identifiers: MedGen C0950123, MeSH D030342.

Allele frequency attached by ClinVar (database versions not stated): TOPMed 0.00001.

Submission:

Ambry Genetics
Classification: Uncertain significance for Inborn genetic diseases. Last evaluated: 2022-09-22. Review status: criteria provided, single submitter. Criteria: Ambry Variant Classification Scheme 2023. Collection method: clinical testing. Allele origin: germline.
Comment: The c.18854G>C (p.G6285A) alteration is located in exon 141 (coding exon 139) of the NEB gene. This alteration results from a G to C substitution at nucleotide position 18854, causing the glycine (G) at amino acid position 6285 to be replaced by an alanine (A). This variant was not reported in population-based cohorts in the Genome Aggregation Database (gnomAD). This amino acid position is highly conserved in available vertebrate species. This alteration is predicted to be tolerated by in silico analysis. Based on insufficient or conflicting evidence, the clinical significance of this alteration remains unclear.

NM_001164508.2(NEB):c.24422G>C (p.Gly8141Ala)

Genes: NEB (nebulin; minus strand), RIF1 (replication timing regulatory factor 1; plus strand). Cytogenetic location: 2q23.3.
Variant type: single nucleotide variant.
Coding change: c.24422G>C on transcript NM_001164508.2 (MANE Select); coding-DNA position 24422, G replaced by C.
Protein change: p.Gly8141Ala; replaces glycine 8141 with alanine.
Molecular consequence: missense variant.
Genome position (GRCh38, 1-based): chr2:151,496,340, C>G on the plus strand (G>C on the coding strand, the complement: NEB is on the minus strand). VCF-style: chr2-151496340-C-G. GRCh37 (hg19) VCF-style: chr2-152352854-C-G.
Other names: c.24422G>C, p.Gly8141Ala (NM_001164507.2); c.24527G>C, p.Gly8176Ala (NM_001271208.2); c.18854G>C, p.Gly6285Ala (NM_004543.5); short protein forms G6285A, G8141A, G8176A.
Identifiers: ClinVar variation 2313118 (VCV002313118.2), dbSNP rs1433238275, ClinGen allele CA348778379.